The following is an entry in ClinVar:

NM_001003800.2(BICD2):c.1823C>T (p.Ser608Leu)

Gene: BICD2 (BICD cargo adaptor 2; minus strand). Cytogenetic location: 9q22.31.
Variant type: single nucleotide variant.
Coding change: c.1823C>T on transcript NM_001003800.2 (MANE Select); coding-DNA position 1823, C replaced by T.
Protein change: p.Ser608Leu; replaces serine 608 with leucine.
Molecular consequence: missense variant.
Genome position (GRCh38, 1-based): chr9:92,718,822, G>A on the plus strand (C>T on the coding strand, the complement: BICD2 is on the minus strand). VCF-style: chr9-92718822-G-A. GRCh37 (hg19) VCF-style: chr9-95481104-G-A.
Other names: c.1823C>T, p.Ser608Leu (NM_015250.4); short protein forms S608L.
Identifiers: ClinVar variation 943797 (VCV000943797.9), dbSNP rs150861652, ClinGen allele CA5126472.

ClinVar aggregate classification (germline): Likely benign. Review status: criteria provided, single submitter (1 of 4 stars). 3 submissions from 3 submitters: Likely benign (1). 2 of the submissions do not count toward it. Last evaluated 2024-12-02.

Conditions:
BICD2-related disorder. Also called: BICD2-related condition.
Autosomal dominant childhood-onset proximal spinal muscular atrophy with contractures (SMALED2A). Also called: SPINAL MUSCULAR ATROPHY, LOWER EXTREMITY-PREDOMINANT, 2A, CHILDHOOD ONSET, AUTOSOMAL DOMINANT; Spinal muscular atrophy, lower extremity-predominant, 2A, autosomal dominant. Identifiers: Orphanet 363447, Orphanet 363454, MedGen C4747715, MONDO:0014121, OMIM 615290.
Hereditary spastic paraplegia 3A (SPG3A). Also called: Spastic paraplegia 3A, autosomal dominant; SPASTIC PARAPLEGIA 3, AUTOSOMAL DOMINANT; FAMILIAL SPASTIC PARAPLEGIA, AUTOSOMAL DOMINANT, 1; SPG3; STRUMPELL DISEASE; Spastic Paraplegia 3A. Identifiers: Orphanet 100984, MedGen C2931355, MONDO:0008437, OMIM 182600.

Allele frequency attached by ClinVar (database versions not stated): gnomAD exomes 0.00006 and 0.00007; ExAC 0.00008; gnomAD 0.00012; TOPMed 0.00012; ESP Exome Variant Server 0.00015.
gnomAD v4.1: 101 of 1,612,110 alleles (0.0063%); highest among the groups gnomAD compares: Middle Eastern, 0.05%; no homozygotes.

Submissions (3):

Labcorp Genetics (formerly Invitae), Labcorp
Classification: Likely benign for Autosomal dominant childhood-onset proximal spinal muscular atrophy with contractures. Last evaluated: 2024-12-02. Review status: criteria provided, single submitter. Criteria: Invitae Variant Classification Sherloc (09022015). Collection method: clinical testing. Allele origin: germline.

PreventionGenetics, part of Exact Sciences
Classification: Uncertain significance for BICD2-related condition. Last evaluated: 2024-06-27. Review status: no assertion criteria provided. Collection method: clinical testing. Allele origin: germline. Not counted in ClinVar's aggregate classification.
Comment: The BICD2 c.1823C>T variant is predicted to result in the amino acid substitution p.Ser608Leu. This variant was reported in the homozygous state in four individuals with spastic paraplegia from a large consanguineous family (Fig 3 in Novarino et al 2014. PubMed ID: 24482476). This variant was also reported in the heterozygous state in an individual with distal hereditary motor neuropathy (Liu MG et al 2021. PubMed ID: 34650302). This variant is reported in 0.026% of alleles in individuals of East Asian descent in gnomAD, which is likely too frequent for a fully penetrant, autosomal dominant variant. Autosomal recessive inheritance for BICD2-related disorders is limited at this time and additional recessive variants in BICD2 for spastic paraplegia have not been reported (Human Gene Mutation Database). Therefore, the clinical significance of this variant is uncertain due to the absence of conclusive functional and genetic evidence.

Inherited Neuropathy Consortium Ii, University Of Miami
Classification: Uncertain significance for Hereditary spastic paraplegia 3A. Last evaluated: 2016-01-06. Review status: no assertion criteria provided. Collection method: literature only. Allele origin: germline. Affected: yes. Not counted in ClinVar's aggregate classification.

Literature cited by the submitters: PubMed 11241493 (cited by Inherited Neuropathy Consortium Ii, University Of Miami).